The following is an entry in ClinVar:

NM_172369.5(C1QC):c.733G>A (p.Asp245Asn)

Gene: C1QC (complement C1q C chain; plus strand). Cytogenetic location: 1p36.12.
Variant type: single nucleotide variant.
Coding change: c.733G>A on transcript NM_172369.5 (MANE Select); coding-DNA position 733, G replaced by A.
Protein change: p.Asp245Asn; replaces aspartic acid 245 with asparagine.
Molecular consequence: missense variant.
Genome position (GRCh38, 1-based): chr1:22,647,778, G>A. VCF-style: chr1-22647778-G-A. GRCh37 (hg19) VCF-style: chr1-22974271-G-A.
Other names: c.733G>A, p.Asp245Asn (NM_001114101.3, NM_001347619.2); c.466G>A, p.Asp156Asn (NM_001347620.2); short protein forms D245N, D156N.
Identifiers: ClinVar variation 1365747 (VCV001365747.6), dbSNP rs370014774, ClinGen allele CA19179217.

ClinVar aggregate classification (germline): Uncertain significance (1 of 4 stars; one submission).

gnomAD v4.1: 7 of 1,599,500 alleles (0.00044%); highest among the groups gnomAD compares: Admixed American, 0.005%; no homozygotes.

Submission:

Labcorp Genetics (formerly Invitae), Labcorp
Classification: Uncertain significance. Last evaluated: 2024-10-22. Review status: criteria provided, single submitter. Criteria: Invitae Variant Classification Sherloc (09022015). Collection method: clinical testing. Allele origin: germline.
Comment: This sequence change replaces aspartic acid, which is acidic and polar, with asparagine, which is neutral and polar, at codon 245 of the C1QC protein (p.Asp245Asn). This variant is present in population databases (no rsID available, gnomAD 0.003%). This variant has not been reported in the literature in individuals affected with C1QC-related conditions. ClinVar contains an entry for this variant (Variation ID: 1365747). An algorithm developed to predict the effect of missense changes on protein structure and function outputs the following: PolyPhen-2: "Benign". The asparagine amino acid residue is found in multiple mammalian species, which suggests that this missense change does not adversely affect protein function. In summary, the available evidence is currently insufficient to determine the role of this variant in disease. Therefore, it has been classified as a Variant of Uncertain Significance.